The following is an entry in ClinVar:

ClinVar aggregate classification (germline): Uncertain significance (1 of 4 stars; one submission).

Allele frequency attached by ClinVar (database versions not stated): gnomAD exomes 0.00001.
gnomAD v4.1: 7 of 1,612,838 alleles (0.00043%); highest among the groups gnomAD compares: Non-Finnish European, 0.00059%; no homozygotes.

Submission:

Labcorp Genetics (formerly Invitae), Labcorp
Classification: Uncertain significance. Last evaluated: 2021-11-15. Review status: criteria provided, single submitter. Criteria: Invitae Variant Classification Sherloc (09022015). Collection method: clinical testing. Allele origin: germline.
Comment: This sequence change replaces leucine, which is neutral and non-polar, with phenylalanine, which is neutral and non-polar, at codon 862 of the LRP2 protein (p.Leu862Phe). This variant is not present in population databases (gnomAD no frequency). This variant has not been reported in the literature in individuals affected with LRP2-related conditions. Advanced modeling of protein sequence and biophysical properties (such as structural, functional, and spatial information, amino acid conservation, physicochemical variation, residue mobility, and thermodynamic stability) performed at Invitae indicates that this missense variant is not expected to disrupt LRP2 protein function. In summary, the available evidence is currently insufficient to determine the role of this variant in disease. Therefore, it has been classified as a Variant of Uncertain Significance.

NM_004525.3(LRP2):c.2586G>T (p.Leu862Phe)

Gene: LRP2 (LDL receptor related protein 2; minus strand). Cytogenetic location: 2q31.1.
Variant type: single nucleotide variant.
Coding change: c.2586G>T on transcript NM_004525.3 (MANE Select); coding-DNA position 2586, G replaced by T.
Protein change: p.Leu862Phe; replaces leucine 862 with phenylalanine.
Molecular consequence: missense variant.
Genome position (GRCh38, 1-based): chr2:169,257,177, C>A on the plus strand (G>T on the coding strand, the complement: LRP2 is on the minus strand). VCF-style: chr2-169257177-C-A. GRCh37 (hg19) VCF-style: chr2-170113687-C-A.
Other names: short protein forms L862F.
Identifiers: ClinVar variation 1379980 (VCV001379980.3), dbSNP rs2105407541, ClinGen allele CA349156799.